The following is an entry in ClinVar:

NM_001197104.2(KMT2A):c.4677C>T (p.Cys1559=)

Gene: KMT2A (lysine methyltransferase 2A; plus strand). Cytogenetic location: 11q23.3.
Variant type: single nucleotide variant.
Coding change: c.4677C>T on transcript NM_001197104.2 (MANE Select); coding-DNA position 4677, C replaced by T.
Protein change: p.Cys1559=; no amino-acid change (cysteine 1559 retained).
Molecular consequence: synonymous variant.
Genome position (GRCh38, 1-based): chr11:118,490,230, C>T. VCF-style: chr11-118490230-C-T. GRCh37 (hg19) VCF-style: chr11-118360945-C-T.
Other names: c.4677C>T, p.Cys1559= (NM_005933.4).
Identifiers: ClinVar variation 1644179 (VCV001644179.32), dbSNP rs1429425306, ClinGen allele CA477090932.

ClinVar aggregate classification (germline): Likely benign. Review status: criteria provided, multiple submitters, no conflicts (2 of 4 stars). 2 submissions from 2 submitters: Likely benign (2). Last evaluated 2026-01-06.

Allele frequency attached by ClinVar (database versions not stated): gnomAD exomes 0.00001; TOPMed 0.00002.
gnomAD v4.1: 14 of 1,566,752 alleles (0.00089%); highest among the groups gnomAD compares: African/African-American, 0.0014%; no homozygotes.

Submissions (2):

Labcorp Genetics (formerly Invitae), Labcorp
Classification: Likely benign. Last evaluated: 2026-01-06. Review status: criteria provided, single submitter. Criteria: Invitae Variant Classification Sherloc (09022015). Collection method: clinical testing. Allele origin: germline.

CeGaT Center for Human Genetics Tuebingen
Classification: Likely benign. Last evaluated: 2023-12-01. Review status: criteria provided, single submitter. Criteria: CeGaT Center For Human Genetics Tuebingen Variant Classification Criteria Version 2. Collection method: clinical testing. Allele origin: germline. Affected: yes. Observed: 2 variant alleles.
Comment: KMT2A: PM2:Supporting, BP4, BP7